The following is an entry in ClinVar:

ClinVar aggregate classification (germline): Uncertain significance (1 of 4 stars; one submission).

Conditions:
Catecholaminergic polymorphic ventricular tachycardia (CVPT). Also called: Catecholamine-induced polymorphic ventricular tachycardia. Identifiers: Orphanet 3286, MedGen C5574922, MONDO:0017990.

Submission:

All of Us Research Program, National Institutes of Health
Classification: Uncertain significance for Catecholaminergic polymorphic ventricular tachycardia. Last evaluated: 2023-02-24. Review status: criteria provided, single submitter. Criteria: ACMG Guidelines, 2015. Collection method: clinical testing. Allele origin: germline. Inheritance: Autosomal dominant inheritance. Observed: 1 variant allele, 1 heterozygote.
Comment: This missense variant replaces proline with alanine at codon 990 of the RYR2 protein. Computational prediction suggests that this variant may not impact protein structure and function (internally defined REVEL score threshold <= 0.5, PMID: 27666373). To our knowledge, functional studies have not been reported for this variant. This variant has not been reported in individuals affected with RYR2-related disorders in the literature. This variant has not been identified in the general population by the Genome Aggregation Database (gnomAD). The available evidence is insufficient to determine the role of this variant in disease conclusively. Therefore, this variant is classified as a Variant of Uncertain Significance.

This study involves interpretation of variants in research participants for the purpose of population health screening. Participant phenotype was not available at the time of variant classification. Additional details can be found in publication PMID: 35346344, PMCID: PMC8962531

NM_001035.3(RYR2):c.2968C>G (p.Pro990Ala)

Gene: RYR2 (ryanodine receptor 2; plus strand). Cytogenetic location: 1q43.
Variant type: single nucleotide variant.
Coding change: c.2968C>G on transcript NM_001035.3 (MANE Select); coding-DNA position 2968, C replaced by G.
Protein change: p.Pro990Ala; replaces proline 990 with alanine.
Molecular consequence: missense variant.
Genome position (GRCh38, 1-based): chr1:237,548,492, C>G. VCF-style: chr1-237548492-C-G. GRCh37 (hg19) VCF-style: chr1-237711792-C-G.
Other names: short protein forms P990A.
Identifiers: ClinVar variation 3069555 (VCV003069555.1), dbSNP rs2546276668, ClinGen allele CA345393551.